The following is an entry in ClinVar:

ClinVar aggregate classification (germline): Likely pathogenic (1 of 4 stars; one submission).

Submission:

Labcorp Genetics (formerly Invitae), Labcorp
Classification: Likely pathogenic. Last evaluated: 2025-01-13. Review status: criteria provided, single submitter. Criteria: Invitae Variant Classification Sherloc (09022015). Collection method: clinical testing. Allele origin: germline.
Comment: This variant results in the deletion of part of exon 2 (c.437_450+25delinsAGT) of the ADAMTS17 gene. It is expected to disrupt RNA splicing. Variants that disrupt the donor or acceptor splice site typically lead to a loss of protein function (PMID: 16199547), and loss-of-function variants in ADAMTS17 are known to be pathogenic (PMID: 19836009, 24940034). This variant is not present in population databases (gnomAD no frequency). This variant has not been reported in the literature in individuals affected with ADAMTS17-related conditions. In summary, the currently available evidence indicates that the variant is pathogenic, but additional data are needed to prove that conclusively. Therefore, this variant has been classified as Likely Pathogenic.

Literature cited by the submitters: PubMed 16199547; PubMed 19836009; PubMed 24940034.

NM_139057.4(ADAMTS17):c.437_450+25delinsAGT

Gene: ADAMTS17 (ADAM metallopeptidase with thrombospondin type 1 motif 17; minus strand). Cytogenetic location: 15q26.3.
Variant type: Indel.
Coding change: c.437_450+25delinsAGT on transcript NM_139057.4 (MANE Select); coding-DNA position 437 through 25 bases into the intron after coding-DNA position 450, the reference bases replaced by AGT.
Molecular consequence: splice donor variant.
Genome position (GRCh38, 1-based): chr15:100,341,014-100,341,052, 39 bases replaced. GRCh37 (hg19): chr15:100,881,219-100,881,257.
Identifiers: ClinVar variation 3728959 (VCV003728959.2).